The following is an entry in ClinVar:

ClinVar aggregate classification (germline): Uncertain significance. Review status: criteria provided, multiple submitters, no conflicts (2 of 4 stars). 6 submissions from 4 submitters: Uncertain significance (6). Last evaluated 2025-06-09.

Conditions:
Congenital multicore myopathy with external ophthalmoplegia (CMYO1B). Also called: MULTICORE MYOPATHY; MULTIMINICORE DISEASE WITH EXTERNAL OPHTHALMOPLEGIA; Congenital myopathy 1B, autosomal recessive; Minicore myopathy; Minicore myopathy with external ophthalmoplegia. Identifiers: Orphanet 598, Orphanet 98905, MedGen C1850674, MONDO:0009712, OMIM 255320, HP:0003789.
Central core myopathy (CMYO1A). Also called: CONGENITAL MYOPATHY 1A, AUTOSOMAL DOMINANT, WITH SUSCEPTIBILITY TO MALIGNANT HYPERTHERMIA; Central core disease; Myopathy, central fibrillar. Identifiers: Orphanet 597, MedGen C5830701, MONDO:0007294, OMIM 117000.
Malignant hyperthermia, susceptibility to, 1 (MHS1). Also called: RYR1-Related Malignant Hyperthermia Susceptibility; Malignant hyperthermia suceptibility 1; Anesthesia related hyperthermia; Malignant hyperpyrexia; Fulminating hyperpyrexia; Pharmacogenic myopathy. Identifiers: Orphanet 423, MedGen C2930980, MONDO:0007783, OMIM 145600.
Congenital myopathy with fiber type disproportion. Also called: Congenital fiber-type disproportion; Congenital fiber-type disproportion myopathy. Identifiers: Orphanet 2020, MedGen C0546264, MONDO:0009711. Inheritance: all.
King Denborough syndrome (KDS). Identifiers: MedGen C1840365, MONDO:0020485, OMIM 619542.
RYR1-related disorder. Also called: RYR1-related disorders; RYR1-related condition. Identifiers: MedGen CN239331.

gnomAD v4.1: 13 of 1,613,748 alleles (0.00081%); highest among the groups gnomAD compares: Middle Eastern, 0.13%; no homozygotes.

Submissions (6):

Color Diagnostics, LLC DBA Color Health
Classification: Uncertain significance for Malignant hyperthermia, susceptibility to, 1. Last evaluated: 2025-06-09. Review status: criteria provided, single submitter. Criteria: ACMG Guidelines, 2015. Collection method: clinical testing. Allele origin: germline.
Comment: This missense variant replaces threonine with arginine at codon 1745 of the RYR1 protein. Computational prediction suggests that this variant may not impact protein structure and function. To our knowledge, functional studies have not been reported for this variant. This variant has not been reported in individuals affected with RYR1-related disorders in the literature. This variant has been identified in 3/245478 chromosomes in the general population by the Genome Aggregation Database (gnomAD). The available evidence is insufficient to determine the role of this variant in disease conclusively. Therefore, this variant is classified as a Variant of Uncertain Significance.

Labcorp Genetics (formerly Invitae), Labcorp
Classification: Uncertain significance for RYR1-related disorder. Last evaluated: 2024-10-29. Review status: criteria provided, single submitter. Criteria: Invitae Variant Classification Sherloc (09022015). Collection method: clinical testing. Allele origin: germline.
Comment: This sequence change replaces threonine, which is neutral and polar, with arginine, which is basic and polar, at codon 1745 of the RYR1 protein (p.Thr1745Arg). This variant is present in population databases (no rsID available, gnomAD 0.0009%). This variant has not been reported in the literature in individuals affected with RYR1-related conditions. ClinVar contains an entry for this variant (Variation ID: 201157). Invitae Evidence Modeling of protein sequence and biophysical properties (such as structural, functional, and spatial information, amino acid conservation, physicochemical variation, residue mobility, and thermodynamic stability) indicates that this missense variant is not expected to disrupt RYR1 protein function with a negative predictive value of 80%. In summary, the available evidence is currently insufficient to determine the role of this variant in disease. Therefore, it has been classified as a Variant of Uncertain Significance.

Fulgent Genetics
Classification: Uncertain significance for Central core myopathy; Malignant hyperthermia, susceptibility to, 1; Congenital myopathy 4A, autosomal dominant; Congenital multicore myopathy with external ophthalmoplegia; King Denborough syndrome. Last evaluated: 2021-10-25. Review status: criteria provided, single submitter. Criteria: ACMG Guidelines, 2015. Collection method: clinical testing. Allele origin: unknown.

Illumina Laboratory Services, Illumina
Classification: Uncertain significance for Central core myopathy. Last evaluated: 2018-01-12. Review status: criteria provided, single submitter. Criteria: ICSL Variant Classification Criteria 13 December 2019. Collection method: clinical testing. Allele origin: germline.

Illumina Laboratory Services, Illumina
Classification: Uncertain significance for Malignant hyperthermia, susceptibility to, 1. Last evaluated: 2018-01-12. Review status: criteria provided, single submitter. Criteria: ICSL Variant Classification Criteria 13 December 2019. Collection method: clinical testing. Allele origin: germline.

Illumina Laboratory Services, Illumina
Classification: Uncertain significance for Congenital multicore myopathy with external ophthalmoplegia. Last evaluated: 2018-01-12. Review status: criteria provided, single submitter. Criteria: ICSL Variant Classification Criteria 13 December 2019. Collection method: clinical testing. Allele origin: germline.

NM_000540.3(RYR1):c.5234C>G (p.Thr1745Arg)

Gene: RYR1 (ryanodine receptor 1; plus strand). Cytogenetic location: 19q13.2.
Variant type: single nucleotide variant.
Coding change: c.5234C>G on transcript NM_000540.3 (MANE Select); coding-DNA position 5234, C replaced by G.
Protein change: p.Thr1745Arg; replaces threonine 1745 with arginine.
Molecular consequence: missense variant.
Genome position (GRCh38, 1-based): chr19:38,485,889, C>G. VCF-style: chr19-38485889-C-G. GRCh37 (hg19) VCF-style: chr19-38976529-C-G.
Other names: c.5234C>G, p.Thr1745Arg (NM_001042723.2); short protein forms T1745R.
Identifiers: ClinVar variation 201157 (VCV000201157.8), dbSNP rs377476955, ClinGen allele CA024499.